The following is an entry in ClinVar:

ClinVar aggregate classification (germline): Uncertain significance (1 of 4 stars; one submission).

Conditions:
Progressive familial heart block type IB (PFHB1B). Identifiers: Orphanet 871, MedGen C1970298, MONDO:0011474, OMIM 604559.

gnomAD v4.1: 1 of 1,614,024 alleles (0.000062%); highest among the groups gnomAD compares: African/African-American, 0.0013%; no homozygotes.

Submission:

Labcorp Genetics (formerly Invitae), Labcorp
Classification: Uncertain significance for Progressive familial heart block type IB. Last evaluated: 2025-12-26. Review status: criteria provided, single submitter. Criteria: Invitae Variant Classification Sherloc (09022015). Collection method: clinical testing. Allele origin: germline.
Comment: This sequence change replaces glutamine, which is neutral and polar, with lysine, which is basic and polar, at codon 1170 of the TRPM4 protein (p.Gln1170Lys). This variant is not present in population databases (gnomAD no frequency). This variant has not been reported in the literature in individuals affected with TRPM4-related conditions. An algorithm developed to predict the effect of missense changes on protein structure and function outputs the following: PolyPhen-2: "Benign". The lysine amino acid residue is found in multiple mammalian species, which suggests that this missense change does not adversely affect protein function. In summary, the available evidence is currently insufficient to determine the role of this variant in disease. Therefore, it has been classified as a Variant of Uncertain Significance.

NM_017636.4(TRPM4):c.3508C>A (p.Gln1170Lys)

Gene: TRPM4 (transient receptor potential cation channel subfamily M member 4; plus strand). Cytogenetic location: 19q13.33.
Variant type: single nucleotide variant.
Coding change: c.3508C>A on transcript NM_017636.4 (MANE Select); coding-DNA position 3508, C replaced by A.
Protein change: p.Gln1170Lys; replaces glutamine 1170 with lysine.
Molecular consequence: missense variant.
Genome position (GRCh38, 1-based): chr19:49,211,061, C>A. VCF-style: chr19-49211061-C-A. GRCh37 (hg19) VCF-style: chr19-49714318-C-A.
Other names: c.3073C>A, p.Gln1025Lys (NM_001195227.2); c.3163C>A, p.Gln1055Lys (NM_001321281.2); c.1900C>A, p.Gln634Lys (NM_001321282.2); c.2986C>A, p.Gln996Lys (NM_001321283.2); c.2446C>A, p.Gln816Lys (NM_001321285.2); short protein forms Q1055K, Q634K, Q816K, Q996K, Q1025K, Q1170K.
Identifiers: ClinVar variation 4734188 (VCV004734188.1).
Genomic context (GRCh38, chr19:49,211,061, plus strand): 5'-CCCTCCCTTCTCAGGGTGGACTTGGCACTGAAACAGCTGGGACACATCCGCGAGTACGAA[C>A]AGCGCCTGAAAGTGCTGGAGCGGGAGGTGAGGCCTTGGGGCCTGGCTGGGGGACTGTGGC-3'
Protein context (NP_060106.2, residues 1160-1180): KQLGHIREYE[Gln1170Lys]RLKVLEREVQ